The following is an entry in ClinVar:

ClinVar aggregate classification (germline): Likely benign. Review status: criteria provided, multiple submitters, no conflicts (2 of 4 stars). 3 submissions from 3 submitters: Likely benign (3). Last evaluated 2026-09-10.

Conditions:
HPS5-related disorder. Also called: HPS5-related condition.

Allele frequency attached by ClinVar (database versions not stated): gnomAD exomes below 0.00001; gnomAD 0.00002; TOPMed 0.00004.

Submissions (3):

PreventionGenetics, part of Exact Sciences
Classification: Likely benign for HPS5-related condition. Last evaluated: 2026-09-10. Review status: criteria provided, single submitter. Criteria: ACMG Guidelines, 2015. Collection method: clinical testing. Allele origin: germline.
Comment: This variant is classified as likely benign based on ACMG/AMP sequence variant interpretation guidelines (Richards et al. 2015 PMID: 25741868, with internal and published modifications).

Mayo Clinic Laboratories, Mayo Clinic
Classification: Likely benign. Last evaluated: 2025-01-10. Review status: criteria provided, single submitter. Criteria: ACMG Guidelines, 2015. Collection method: clinical testing. Allele origin: germline. Observed: 1 variant allele.
Comment: BP4, BP7, PM2_supporting

Labcorp Genetics (formerly Invitae), Labcorp
Classification: Likely benign. Last evaluated: 2024-08-14. Review status: criteria provided, single submitter. Criteria: Invitae Variant Classification Sherloc (09022015). Collection method: clinical testing. Allele origin: germline.

NM_181507.2(HPS5):c.985+8T>C

Gene: HPS5 (HPS5 biogenesis of lysosomal organelles complex 2 subunit 2; minus strand). Cytogenetic location: 11p15.1.
Variant type: single nucleotide variant.
Coding change: c.985+8T>C on transcript NM_181507.2 (MANE Select); 8 bases into the intron after coding-DNA position 985, T replaced by C.
Molecular consequence: intron variant.
Genome position (GRCh38, 1-based): chr11:18,300,820, A>G on the plus strand (T>C on the coding strand, the complement: HPS5 is on the minus strand). VCF-style: chr11-18300820-A-G. GRCh37 (hg19) VCF-style: chr11-18322367-A-G.
Other names: p.?; c.571+8T>C (NM_001440929.1, NM_001440928.1, NM_001440927.1); c.643+8T>C (NM_181508.2, NM_001440921.1, NM_001440926.1 and 7 more transcripts); c.874+8T>C (NM_001440915.1, NM_001440914.1, NM_001440913.1); c.985+8T>C (NM_001440931.1, NM_001440917.1, NM_001440906.1 and 6 more transcripts); c.910+8T>C (NM_001440907.1, NM_001440909.1, NM_001440908.1); c.772+8T>C (NM_001440919.1); c.799+8T>C (NM_001440918.1).
Identifiers: ClinVar variation 1661156 (VCV001661156.10), dbSNP rs993760630, ClinGen allele CA218545165.